The following is an entry in ClinVar:

NM_018406.7(MUC4):c.10049C>A (p.Thr3350Asn)

Gene: MUC4 (mucin 4, cell surface associated). Cytogenetic location: 3q29.
Variant type: single nucleotide variant.
Coding change: c.10049C>A on transcript NM_018406.7 (MANE Select); coding-DNA position 10049, C replaced by A.
Protein change: p.Thr3350Asn; replaces threonine 3350 with asparagine.
Molecular consequence: missense variant. On other transcripts: genic upstream transcript variant (2).
Genome position (GRCh38, 1-based): chr3:195,781,531, G>T on the plus strand (C>A on the coding strand, the complement: MUC4 is on the minus strand). VCF-style: chr3-195781531-G-T. GRCh37 (hg19) VCF-style: chr3-195508402-G-T.
Other names: c.14819C>A, p.Thr4940Asn (NM_001322468.1); c.83-7226C>A (NM_138297.5); c.83-3076C>A (NM_004532.6); short protein forms T3350N, T4940N.
Identifiers: ClinVar variation 2654434 (VCV002654434.24), dbSNP rs199592769, ClinGen allele CA2770511.

ClinVar aggregate classification (germline): Likely benign (1 of 4 stars; one submission).

Allele frequency attached by ClinVar (database versions not stated): gnomAD 0.00201.

Submission:

CeGaT Center for Human Genetics Tuebingen
Classification: Likely benign. Last evaluated: 2023-08-01. Review status: criteria provided, single submitter. Criteria: CeGaT Center For Human Genetics Tuebingen Variant Classification Criteria Version 2. Collection method: clinical testing. Allele origin: germline. Affected: yes. Observed: 2 variant alleles.
Comment: MUC4: BP4, BS2